The following is an entry in ClinVar:

NM_016302.4(CRBN):c.1109T>G (p.Leu370Arg)

Genes: CRBN (cereblon; minus strand), TRNT1 (tRNA nucleotidyl transferase 1; plus strand). Cytogenetic location: 3p26.2.
Variant type: single nucleotide variant.
Coding change: c.1109T>G on transcript NM_016302.4 (MANE Select); coding-DNA position 1109, T replaced by G.
Protein change: p.Leu370Arg; replaces leucine 370 with arginine.
Molecular consequence: missense variant. On other transcripts: 3 prime UTR variant (1), non-coding transcript variant (4).
Genome position (GRCh38, 1-based): chr3:3,152,495, A>C on the plus strand (T>G on the coding strand, the complement: CRBN is on the minus strand). VCF-style: chr3-3152495-A-C. GRCh37 (hg19) VCF-style: chr3-3194179-A-C.
Other names: c.*1989A>C (NM_001367321.1); c.1106T>G, p.Leu369Arg (NM_001173482.1); short protein forms L369R, L370R.
Identifiers: ClinVar variation 4278726 (VCV004278726.1).

ClinVar aggregate classification (germline): Uncertain significance (1 of 4 stars; one submission).

Submission:

GeneDx
Classification: Uncertain significance. Last evaluated: 2025-04-02. Review status: criteria provided, single submitter. Criteria: GeneDx Variant Classification Process June 2021. Collection method: clinical testing. Allele origin: germline. Affected: yes.
Comment: Not observed at significant frequency in large population cohorts (gnomAD); In silico analysis supports that this missense variant has a deleterious effect on protein structure/function; Has not been previously published as pathogenic or benign to our knowledge